The following is an entry in ClinVar:

ClinVar aggregate classification (germline): Conflicting classifications of pathogenicity. Review status: criteria provided, conflicting classifications (1 of 4 stars). 6 submissions from 6 submitters: Uncertain significance (1); Likely benign (5). Last evaluated 2026-04-29.

Conditions:
Cardiovascular phenotype. Identifiers: MedGen CN230736.
Long QT syndrome (LQTS). Identifiers: MedGen C0023976, MeSH D008133, MONDO:0002442. Disease mechanism: loss of function. Inheritance: Various modes of inheritance.

Allele frequency attached by ClinVar (database versions not stated): gnomAD exomes 0.00002 and 0.00007; ESP Exome Variant Server 0.00008; ExAC 0.00011; gnomAD 0.00011; TOPMed 0.00012.
gnomAD v4.1: 74 of 1,614,236 alleles (0.0046%); highest among the groups gnomAD compares: African/African-American, 0.017%; no homozygotes.

Submissions (6):

Women's Health and Genetics/Laboratory Corporation of America, LabCorp
Classification: Likely benign. Last evaluated: 2026-04-29. Review status: criteria provided, single submitter. Criteria: LabCorp Variant Classification Summary - May 2015. Collection method: clinical testing. Allele origin: germline.
Comment: Variant summary: KCNJ5 c.133G>A (p.Glu45Lys) results in a conservative amino acid change in the encoded protein sequence. Algorithms developed to predict the effect of missense changes on protein structure and function are either unavailable or do not agree on the potential impact of this missense change. The variant allele was found at a frequency of 6.8e-05 in 251444 control chromosomes. The observed variant frequency exceeds the estimated maximal expected allele frequency for disease-causing variants in KCNJ5. To our knowledge, no occurrence of c.133G>A in individuals affected with KCNJ5-related conditions and no experimental evidence demonstrating its impact on protein function have been reported. ClinVar contains an entry for this variant (Variation ID: 190825). Based on the evidence outlined above, the variant was classified as likely benign.

Labcorp Genetics (formerly Invitae), Labcorp
Classification: Likely benign for Long QT syndrome. Last evaluated: 2026-02-03. Review status: criteria provided, single submitter. Criteria: Invitae Variant Classification Sherloc (09022015). Collection method: clinical testing. Allele origin: germline.

Blueprint Genetics
Classification: Likely benign. Last evaluated: 2024-08-05. Review status: criteria provided, single submitter. Criteria: ACMG Guidelines, 2015. Collection method: clinical testing. Allele origin: germline.

Ambry Genetics
Classification: Likely benign for Cardiovascular phenotype. Last evaluated: 2022-04-04. Review status: criteria provided, single submitter. Criteria: Ambry Variant Classification Scheme 2023. Collection method: clinical testing. Allele origin: germline.

Revvity Omics, Revvity
Classification: Uncertain significance. Last evaluated: 2020-04-02. Review status: criteria provided, single submitter. Criteria: ACMG Guidelines, 2015. Collection method: clinical testing. Allele origin: germline.

GeneDx
Classification: Likely benign. Last evaluated: 2019-12-18. Review status: criteria provided, single submitter. Criteria: GeneDx Variant Classification Process June 2021. Collection method: clinical testing. Allele origin: germline. Affected: yes.
Comment: This variant is associated with the following publications: (PMID: 28767663)

NM_000890.5(KCNJ5):c.133G>A (p.Glu45Lys)

Gene: KCNJ5 (potassium inwardly rectifying channel subfamily J member 5; plus strand). Cytogenetic location: 11q24.3.
Variant type: single nucleotide variant.
Coding change: c.133G>A on transcript NM_000890.5 (MANE Select); coding-DNA position 133, G replaced by A.
Protein change: p.Glu45Lys; replaces glutamic acid 45 with lysine.
Molecular consequence: missense variant.
Genome position (GRCh38, 1-based): chr11:128,911,406, G>A. VCF-style: chr11-128911406-G-A. GRCh37 (hg19) VCF-style: chr11-128781301-G-A.
Other names: p.E45K:GAG>AAG; c.133G>A (LRG_333t1); c.133G>A, p.Glu45Lys (NM_001354169.2); short protein forms E45K.
Identifiers: ClinVar variation 190825 (VCV000190825.21), dbSNP rs372447456, ClinGen allele CA302085.